The following is an entry in ClinVar:

NM_002232.5(KCNA3):c.32C>G (p.Pro11Arg)

Gene: KCNA3 (potassium voltage-gated channel subfamily A member 3; minus strand). Cytogenetic location: 1p13.3.
Variant type: single nucleotide variant.
Coding change: c.32C>G on transcript NM_002232.5 (MANE Select); coding-DNA position 32, C replaced by G.
Protein change: p.Pro11Arg; replaces proline 11 with arginine.
Molecular consequence: missense variant.
Genome position (GRCh38, 1-based): chr1:110,674,778, G>C on the plus strand (C>G on the coding strand, the complement: KCNA3 is on the minus strand). VCF-style: chr1-110674778-G-C. GRCh37 (hg19) VCF-style: chr1-111217400-G-C.
Other names: short protein forms P11R.
Identifiers: ClinVar variation 2500319 (VCV002500319.2), dbSNP rs763208216, ClinGen allele CA341816148.
Genomic context (GRCh38, chr1:110,674,778, plus strand): 5'-CCGCCGCTGCTCGCTGGGCGCTGAGGAGGGTGGGCGCGGTGGCGGGCTGAGGGCGGCGGC[G>C]GCGAGCGCAGAAGGCTGAGGCGCTCGTCCATGCGGCGGGGAAGAGGCGGCAGCGGTGAGG-3'
Protein context (NP_002223.3, residues 1-21): MDERLSLLRS[Pro11Arg]PPPSARHRAH

ClinVar aggregate classification (germline): Likely pathogenic (1 of 4 stars; one submission).

Conditions:
KCNA3-associated developmental and epileptic encephalopathy.

gnomAD v4.1: 1 of 1,341,070 alleles (0.000075%); highest among the groups gnomAD compares: Non-Finnish European, 0.000095%; no homozygotes.

Submission:

Institute of Human Genetics, University of Leipzig Medical Center
Classification: Likely pathogenic for KCNA3-associated developmental and epileptic encephalopathy. Last evaluated: 2023-02-14. Review status: criteria provided, single submitter. Criteria: ACMG Guidelines, 2015. Collection method: research. Allele origin: de novo. Inheritance: Autosomal dominant inheritance. Affected: yes. Observed: 1 variant allele.
Comment: This variant was identified as de novo (maternity and paternity confirmed). Criteria applied: PS3, PS2_MOD, PM2_SUP

Literature cited by the submitters: PubMed 37964487.